The following is an entry in ClinVar:

NC_000009.11:g.(?_140938206)_(141010151_?)dup

Gene: CACNA1B (calcium voltage-gated channel subunit alpha1 B; plus strand). Cytogenetic location: 9q34.3.
Variant type: Duplication.
Identifiers: ClinVar variation 3245292 (VCV003245292.1).

ClinVar aggregate classification (germline): Likely pathogenic (1 of 4 stars; one submission).

Submission:

Labcorp Genetics (formerly Invitae), Labcorp
Classification: Likely pathogenic. Last evaluated: 2023-10-22. Review status: criteria provided, single submitter. Criteria: Invitae Variant Classification Sherloc (09022015). Collection method: clinical testing. Allele origin: unknown.
Comment: This variant results in a copy number gain of the genomic region encompassing exon(s) 21-42 of the CACNA1B gene. While the exact position of this variant cannot be determined from the data, sub-genic copy number gains are generally in tandem (PMID: 25640679). This variant is predicted to be out-of-frame, and may result in an absent or disrupted protein product. Loss-of-function variants in CACNA1B are known to be pathogenic (PMID: 30982612). This variant has not been reported in the literature in individuals affected with CACNA1B-related conditions. In summary, the currently available evidence indicates that the variant is pathogenic, but additional data are needed to prove that conclusively. Therefore, this variant has been classified as Likely Pathogenic.

Literature cited by the submitters: PubMed 25640679; PubMed 30982612.